The following is an entry in ClinVar:

NM_001378615.1(CC2D2A):c.3643A>C (p.Ser1215Arg)

Genes: CC2D2A (coiled-coil and C2 domain containing 2A; plus strand), FBXL5 (F-box and leucine rich repeat protein 5; minus strand). Cytogenetic location: 4p15.32.
Variant type: single nucleotide variant.
Coding change: c.3643A>C on transcript NM_001378615.1 (MANE Select); coding-DNA position 3643, A replaced by C.
Protein change: p.Ser1215Arg; replaces serine 1215 with arginine.
Molecular consequence: missense variant.
Genome position (GRCh38, 1-based): chr4:15,574,198, A>C. VCF-style: chr4-15574198-A-C. GRCh37 (hg19) VCF-style: chr4-15575821-A-C.
Other names: c.3643A>C, p.Ser1215Arg (NM_001080522.2); c.3496A>C, p.Ser1166Arg (NM_001378617.1); short protein forms S1166R, S1215R.
Identifiers: ClinVar variation 1042571 (VCV001042571.11), dbSNP rs765661601, ClinGen allele CA356423681.

ClinVar aggregate classification (germline): Uncertain significance. Review status: criteria provided, multiple submitters, no conflicts (2 of 4 stars). 3 submissions from 3 submitters: Uncertain significance (3). Last evaluated 2024-03-25.

Conditions:
Joubert syndrome. Also called: JOUBERT-BOLTSHAUSER SYNDROME; Familial aplasia of the vermis. Identifiers: Orphanet 475, MedGen C5979921, MONDO:0018772.
Meckel-Gruber syndrome. Also called: Dysencephalia splachnocystica; DYSENCEPHALIA SPLANCHNOCYSTICA; GRUBER SYNDROME. Identifiers: Orphanet 564, MedGen C0265215, MONDO:0018921.
Joubert syndrome 9 (JBTS9). Identifiers: Orphanet 2318, MedGen C2676788, MONDO:0012849, OMIM 612285.

gnomAD v4.1: 1 of 1,551,450 alleles (0.000064%); highest among the groups gnomAD compares: Non-Finnish European, 0.000087%; no homozygotes.

Submissions (3):

Genomic Medicine Center of Excellence, King Faisal Specialist Hospital and Research Centre
Classification: Uncertain significance for Joubert syndrome 9. Last evaluated: 2024-03-25. Review status: criteria provided, single submitter. Criteria: ACMG Guidelines, 2015. Collection method: clinical testing. Allele origin: germline.

Blueprint Genetics
Classification: Uncertain significance. Last evaluated: 2023-12-14. Review status: criteria provided, single submitter. Criteria: ACMG Guidelines, 2015. Collection method: clinical testing. Allele origin: germline.

Labcorp Genetics (formerly Invitae), Labcorp
Classification: Uncertain significance for Joubert syndrome; Meckel-Gruber syndrome. Last evaluated: 2020-08-31. Review status: criteria provided, single submitter. Criteria: Invitae Variant Classification Sherloc (09022015). Collection method: clinical testing. Allele origin: germline.
Comment: This sequence change replaces serine with arginine at codon 1215 of the CC2D2A protein (p.Ser1215Arg). The serine residue is moderately conserved and there is a moderate physicochemical difference between serine and arginine. In summary, the available evidence is currently insufficient to determine the role of this variant in disease. Therefore, it has been classified as a Variant of Uncertain Significance. Advanced modeling of protein sequence and biophysical properties (such as structural, functional, and spatial information, amino acid conservation, physicochemical variation, residue mobility, and thermodynamic stability) performed at Invitae indicates that this missense variant is expected to disrupt CC2D2A protein function. This variant has not been reported in the literature in individuals with CC2D2A-related conditions. This variant is not present in population databases (ExAC no frequency).